The following is an entry in ClinVar:

NM_001166114.2(PNPLA6):c.721A>C (p.Lys241Gln)

Gene: PNPLA6 (patatin like domain 6, lysophospholipase; plus strand). Cytogenetic location: 19p13.2.
Variant type: single nucleotide variant.
Coding change: c.721A>C on transcript NM_001166114.2 (MANE Select); coding-DNA position 721, A replaced by C.
Protein change: p.Lys241Gln; replaces lysine 241 with glutamine.
Molecular consequence: missense variant.
Genome position (GRCh38, 1-based): chr19:7,540,636, A>C. VCF-style: chr19-7540636-A-C. GRCh37 (hg19) VCF-style: chr19-7605522-A-C.
Other names: c.748A>C, p.Lys250Gln (NM_001166111.2); c.604A>C, p.Lys202Gln (NM_001166112.2, NM_001166113.1, NM_006702.5); short protein forms K202Q, K250Q, K241Q.
Identifiers: ClinVar variation 2184214 (VCV002184214.4), dbSNP rs2512499483, ClinGen allele CA403105143.
Genomic context (GRCh38, chr19:7,540,636, plus strand): 5'-CATGCCAGTCACCAGGGCGAGGCCACTGAGGGTCCACGGTCTCCTGTGTCTCAGGACGGG[A>C]AGGAGTGTGTGGTGAAGGAAGTGGTTCCTGGGGACAGCGTCAACAGCCTTCTCAGCATCC-3'
Protein context (NP_001159586.1, residues 231-251): LELCLPGPDG[Lys241Gln]ECVVKEVVPG

ClinVar aggregate classification (germline): Uncertain significance (1 of 4 stars; one submission).

Conditions:
Hereditary spastic paraplegia 39 (SPG39). Also called: Spastic Paraplegia Type 39 (SPG39); SPASTIC PARAPLEGIA 39, AUTOSOMAL RECESSIVE. Identifiers: Orphanet 139480, MedGen C2677586, MONDO:0012787, OMIM 612020.

Submission:

Labcorp Genetics (formerly Invitae), Labcorp
Classification: Uncertain significance for Hereditary spastic paraplegia 39. Last evaluated: 2022-11-15. Review status: criteria provided, single submitter. Criteria: Invitae Variant Classification Sherloc (09022015). Collection method: clinical testing. Allele origin: germline.
Comment: This sequence change replaces lysine, which is basic and polar, with glutamine, which is neutral and polar, at codon 202 of the PNPLA6 protein (p.Lys202Gln). This variant is not present in population databases (gnomAD no frequency). This variant has not been reported in the literature in individuals affected with PNPLA6-related conditions. Advanced modeling of protein sequence and biophysical properties (such as structural, functional, and spatial information, amino acid conservation, physicochemical variation, residue mobility, and thermodynamic stability) has been performed at Invitae for this missense variant, however the output from this modeling did not meet the statistical confidence thresholds required to predict the impact of this variant on PNPLA6 protein function. In summary, the available evidence is currently insufficient to determine the role of this variant in disease. Therefore, it has been classified as a Variant of Uncertain Significance.